The following is an entry in ClinVar:

NM_021830.5(TWNK):c.20G>T (p.Ser7Ile)

Gene: TWNK (twinkle mtDNA helicase; plus strand). Cytogenetic location: 10q24.31.
Variant type: single nucleotide variant.
Coding change: c.20G>T on transcript NM_021830.5 (MANE Select); coding-DNA position 20, G replaced by T.
Protein change: p.Ser7Ile; replaces serine 7 with isoleucine.
Molecular consequence: missense variant. On other transcripts: non-coding transcript variant (4), intron variant (3).
Genome position (GRCh38, 1-based): chr10:100,988,230, G>T. VCF-style: chr10-100988230-G-T. GRCh37 (hg19) VCF-style: chr10-102747987-G-T.
Other names: c.20G>T, p.Ser7Ile (NM_001163812.2); c.-120+617G>T (NM_001163814.2, NM_001163813.2); c.-58+617G>T (NM_001368275.1); short protein forms S7I.
Identifiers: ClinVar variation 2106119 (VCV002106119.4), dbSNP rs1851634308, ClinGen allele CA378205706.

ClinVar aggregate classification (germline): Uncertain significance (1 of 4 stars; one submission).

Submission:

Labcorp Genetics (formerly Invitae), Labcorp
Classification: Uncertain significance. Last evaluated: 2022-04-25. Review status: criteria provided, single submitter. Criteria: Invitae Variant Classification Sherloc (09022015). Collection method: clinical testing. Allele origin: germline.
Comment: In summary, the available evidence is currently insufficient to determine the role of this variant in disease. Therefore, it has been classified as a Variant of Uncertain Significance. This variant is not present in population databases (gnomAD no frequency). This variant has not been reported in the literature in individuals affected with TWNK-related conditions. Advanced modeling of protein sequence and biophysical properties (such as structural, functional, and spatial information, amino acid conservation, physicochemical variation, residue mobility, and thermodynamic stability) performed at Invitae indicates that this missense variant is not expected to disrupt TWNK protein function. This sequence change replaces serine, which is neutral and polar, with isoleucine, which is neutral and non-polar, at codon 7 of the TWNK protein (p.Ser7Ile).